The following is an entry in ClinVar:

ClinVar aggregate classification (germline): Conflicting classifications of pathogenicity. Review status: criteria provided, conflicting classifications (1 of 4 stars). 11 submissions from 9 submitters: Uncertain significance (6); Likely benign (4). 1 of the submissions does not count toward it. Last evaluated 2026-01-19.

Conditions:
MYO7A-related disorder. Also called: MYO7A-related disorders.
Usher syndrome type 1 (USH1). Also called: RETINITIS PIGMENTOSA AND CONGENITAL DEAFNESS. Identifiers: Orphanet 231169, Orphanet 886, MedGen C1568247, MONDO:0010168, OMIM 276900.
Autosomal recessive nonsyndromic hearing loss 2. Also called: NEUROSENSORY NONSYNDROMIC RECESSIVE DEAFNESS 2; DEAFNESS, AUTOSOMAL RECESSIVE 2. Identifiers: Orphanet 90636, MedGen C1838701, MONDO:0010807, OMIM 600060.
Autosomal dominant nonsyndromic hearing loss 11. Identifiers: Orphanet 90635, MedGen C1832475, MONDO:0011032, OMIM 601317.

Allele frequency attached by ClinVar (database versions not stated): gnomAD exomes 0.00013 and 0.00024; gnomAD 0.00001 and 0.00010; TOPMed 0.00003; ExAC 0.00026; 1000 Genomes Project 30x 0.00031; 1000 Genomes Project 0.00040.
gnomAD v4.1: 210 of 1,613,332 alleles (0.013%); highest among the groups gnomAD compares: South Asian, 0.17%; 2 homozygotes.

Submissions (11):

Labcorp Genetics (formerly Invitae), Labcorp
Classification: Likely benign. Last evaluated: 2026-01-19. Review status: criteria provided, single submitter. Criteria: Invitae Variant Classification Sherloc (09022015). Collection method: clinical testing. Allele origin: germline.

PreventionGenetics, part of Exact Sciences
Classification: Uncertain significance for MYO7A-related condition. Last evaluated: 2025-12-15. Review status: criteria provided, single submitter. Criteria: ACMG Guidelines, 2015. Collection method: clinical testing. Allele origin: germline.
Comment: The MYO7A c.2122A>G variant is predicted to result in the amino acid substitution p.Met708Val. This variant was reported in the heterozygous state in an individual with hearing loss, although the second potentially causative variant is classified as likely benign (Bitarafan et al. 2020. PubMed ID: 32864763). This variant is reported in 0.18% of alleles in individuals of South Asian descent in gnomAD. At this time, the clinical significance of this variant is uncertain due to the absence of conclusive functional and genetic evidence.

CeGaT Center for Human Genetics Tuebingen
Classification: Likely benign. Last evaluated: 2025-09-01. Review status: criteria provided, single submitter. Criteria: CeGaT Center For Human Genetics Tuebingen Variant Classification Criteria Version 2. Collection method: clinical testing. Allele origin: germline. Affected: yes. Observed: 2 variant alleles.
Comment: MYO7A: BP4

Blueprint Genetics
Classification: Uncertain significance. Last evaluated: 2024-05-28. Review status: criteria provided, single submitter. Criteria: ACMG Guidelines, 2015. Collection method: clinical testing. Allele origin: germline.

Genome-Nilou Lab
Classification: Likely benign for Autosomal dominant nonsyndromic hearing loss 11. Last evaluated: 2021-07-14. Review status: criteria provided, single submitter. Criteria: ACMG Guidelines, 2015. Collection method: clinical testing. Allele origin: germline. Affected: no.

Genome-Nilou Lab
Classification: Uncertain significance for Autosomal recessive nonsyndromic hearing loss 2. Last evaluated: 2021-07-14. Review status: criteria provided, single submitter. Criteria: ACMG Guidelines, 2015. Collection method: clinical testing. Allele origin: germline. Affected: no.

Genome-Nilou Lab
Classification: Uncertain significance for Usher syndrome type 1. Last evaluated: 2021-05-18. Review status: criteria provided, single submitter. Criteria: ACMG Guidelines, 2015. Collection method: clinical testing. Allele origin: germline. Affected: no.

Athena Diagnostics
Classification: Uncertain significance. Last evaluated: 2019-12-05. Review status: criteria provided, single submitter. Criteria: Athena Diagnostics Criteria. Collection method: clinical testing. Allele origin: unknown.

Revvity Omics, Revvity
Classification: Uncertain significance. Last evaluated: 2019-02-27. Review status: criteria provided, single submitter. Criteria: ACMG Guidelines, 2015. Collection method: clinical testing. Allele origin: germline.

Laboratory for Molecular Medicine, Mass General Brigham Personalized Medicine
Classification: Likely benign. Last evaluated: 2010-08-05. Review status: criteria provided, single submitter. Criteria: LMM Criteria. Collection method: clinical testing. Allele origin: germline. Observed: 1 variant allele.
Comment: Met708Val in exon 18 of MYO7A: This variant is not expected to have clinical sig nificance because this residue is not highly conserved across species. In additi on, computational analyses (PolyPhen, SIFT, AlignGVGD) do not suggest a high lik elihood of clinical significance.

Counsyl
Classification: Uncertain significance for Usher syndrome type 1; Autosomal recessive nonsyndromic hearing loss 2. Last evaluated: 2017-01-20. Review status: no assertion criteria provided. Collection method: clinical testing. Allele origin: unknown. Not counted in ClinVar's aggregate classification.

NM_000260.4(MYO7A):c.2122A>G (p.Met708Val)

Gene: MYO7A (myosin VIIA; plus strand). Cytogenetic location: 11q13.5.
Variant type: single nucleotide variant.
Coding change: c.2122A>G on transcript NM_000260.4 (MANE Select); coding-DNA position 2122, A replaced by G.
Protein change: p.Met708Val; replaces methionine 708 with valine.
Molecular consequence: missense variant.
Genome position (GRCh38, 1-based): chr11:77,175,399, A>G. VCF-style: chr11-77175399-A-G. GRCh37 (hg19) VCF-style: chr11-76886445-A-G.
Other names: c.2122A>G, p.Met708Val (NM_001127180.2); c.2089A>G, p.Met697Val (NM_001369365.1); short protein forms M708V, M697V.
Identifiers: ClinVar variation 43173 (VCV000043173.49), dbSNP rs397516293, ClinGen allele CA132235.